The following is an entry in ClinVar:

ClinVar aggregate classification (germline): Pathogenic (1 of 4 stars; one submission).

Conditions:
Ehlers-Danlos syndrome, musculocontractural type (EDSMC). Also called: Adducted thumb, clubfoot, progressive joint and skin laxity syndrome; DUNDAR SYNDROME; ARTHROGRYPOSIS, DISTAL, WITH PECULIAR FACIES AND HYDRONEPHROSIS; ADDUCTED THUMB-CLUBFOOT SYNDROME. Identifiers: Orphanet 2953, MedGen C1866294, MONDO:0011142.

Allele frequency attached by ClinVar (database versions not stated): gnomAD 0.00001.

Submission:

Labcorp Genetics (formerly Invitae), Labcorp
Classification: Pathogenic for Ehlers-Danlos syndrome, musculocontractural type. Last evaluated: 2022-07-29. Review status: criteria provided, single submitter. Criteria: Invitae Variant Classification Sherloc (09022015). Collection method: clinical testing. Allele origin: germline.
Comment: This variant disrupts a region of the CHST14 protein in which other variant(s) (p.Pro281Leu) have been determined to be pathogenic (PMID: 20533528). This suggests that this is a clinically significant region of the protein, and that variants that disrupt it are likely to be disease-causing. For these reasons, this variant has been classified as Pathogenic. This variant has not been reported in the literature in individuals affected with CHST14-related conditions. This variant is present in population databases (no rsID available, gnomAD 0.01%). This sequence change creates a premature translational stop signal (p.Trp162*) in the CHST14 gene. While this is not anticipated to result in nonsense mediated decay, it is expected to disrupt the last 215 amino acid(s) of the CHST14 protein.

Literature cited by the submitters: PubMed 20533528.

NM_130468.4(CHST14):c.486G>A (p.Trp162Ter)

Gene: CHST14 (carbohydrate sulfotransferase 14; plus strand). Cytogenetic location: 15q15.1.
Variant type: single nucleotide variant.
Coding change: c.486G>A on transcript NM_130468.4 (MANE Select); coding-DNA position 486, G replaced by A.
Protein change: p.Trp162Ter; replaces tryptophan 162 with a stop codon.
Molecular consequence: nonsense.
Genome position (GRCh38, 1-based): chr15:40,471,699, G>A. VCF-style: chr15-40471699-G-A. GRCh37 (hg19) VCF-style: chr15-40763898-G-A.
Other names: short protein forms W162*.
Identifiers: ClinVar variation 1937598 (VCV001937598.5), dbSNP rs1424445748, ClinGen allele CA391765969.